The following is an entry in ClinVar:

ClinVar aggregate classification (germline): Pathogenic. Review status: reviewed by expert panel (3 of 4 stars). 4 submissions from 4 submitters: Pathogenic (1). 3 of the submissions do not count toward it. Last evaluated 2017-12-15.

Conditions:
Hereditary breast ovarian cancer syndrome. Also called: Hereditary breast and ovarian cancer; Hereditary breast and ovarian cancer syndrome (HBOC); Hereditary breast and/or ovarian cancer syndrome; Breast and ovarian cancer; Hereditary breast and ovarian cancer syndrome; BRCA1- and BRCA2-Associated Hereditary Breast and Ovarian Cancer. Identifiers: Orphanet 145, MedGen C0677776, MeSH D061325, MONDO:0003582. Disease mechanism: loss of function.
Hereditary cancer-predisposing syndrome. Also called: Tumor predisposition; Neoplastic Syndromes, Hereditary; Hereditary neoplastic syndrome; Hereditary Cancer Syndrome. Identifiers: Orphanet 140162, MedGen C0027672, MeSH D009386, MONDO:0015356.
Breast-ovarian cancer, familial, susceptibility to, 2 (BROVCA2). Also called: BRCA2 Hereditary Breast and Ovarian Cancer. Identifiers: Orphanet 145, MedGen C2675520, MONDO:0012933, OMIM 612555. Disease mechanism: loss of function.

Submissions (4):

Evidence-based Network for the Interpretation of Germline Mutant Alleles (ENIGMA)
Classification: Pathogenic for Breast-ovarian cancer, familial, susceptibility to, 2. Last evaluated: 2017-12-15. Review status: reviewed by expert panel. Criteria: ENIGMA BRCA1/2 Classification Criteria (2017-06-29). Collection method: curation. Allele origin: germline. Study: ENIGMA.
Comment: Variant allele predicted to encode a truncated non-functional protein.

Labcorp Genetics (formerly Invitae), Labcorp
Classification: Pathogenic for Hereditary breast ovarian cancer syndrome. Last evaluated: 2025-12-30. Review status: criteria provided, single submitter. Criteria: Invitae Variant Classification Sherloc (09022015). Collection method: clinical testing. Allele origin: germline. Not counted in ClinVar's aggregate classification.
Comment: This sequence change creates a premature translational stop signal (p.Asp2161Asnfs*6) in the BRCA2 gene. It is expected to result in an absent or disrupted protein product. Loss-of-function variants in BRCA2 are known to be pathogenic (PMID: 20104584). This variant is not present in population databases (gnomAD no frequency). This premature translational stop signal has been observed in individual(s) with BRCA2-related conditions (PMID: 21520333). ClinVar contains an entry for this variant (Variation ID: 265058). For these reasons, this variant has been classified as Pathogenic.

Ambry Genetics
Classification: Pathogenic for Hereditary cancer-predisposing syndrome. Last evaluated: 2025-05-19. Review status: criteria provided, single submitter. Criteria: Ambry Variant Classification Scheme 2023. Collection method: clinical testing. Allele origin: germline. Not counted in ClinVar's aggregate classification.
Comment: The c.6481_6484delGACA pathogenic mutation, located in coding exon 10 of the BRCA2 gene, results from a deletion of 4 nucleotides at nucleotide positions 6481 to 6484, causing a translational frameshift with a predicted alternate stop codon (p.D2161Nfs*6). This variant is considered to be rare based on population cohorts in the Genome Aggregation Database (gnomAD). This alteration is expected to result in loss of function by premature protein truncation or nonsense-mediated mRNA decay. As such, this alteration is interpreted as a disease-causing mutation.

GeneDx
Classification: Pathogenic. Last evaluated: 2019-02-19. Review status: criteria provided, single submitter. Criteria: GeneDx Variant Classification Process June 2021. Collection method: clinical testing. Allele origin: germline. Affected: yes. Not counted in ClinVar's aggregate classification.
Comment: Frameshift variant predicted to result in protein truncation or nonsense mediated decay in a gene for which loss-of-function is a known mechanism of disease; Not observed in large population cohorts (Lek et al., 2016); Reported as pathogenic in ClinVar but additional evidence is not available (ClinVar SCV000783766.1; Landrum et al., 2016); This variant is associated with the following publications: (PMID: 31825140)

Literature cited by the submitters: PubMed 20104584 (cited by Labcorp Genetics (formerly Invitae), Labcorp); PubMed 21520333 (cited by Labcorp Genetics (formerly Invitae), Labcorp).

NM_000059.4(BRCA2):c.6481_6484del (p.Asp2161fs)

Gene: BRCA2 (BRCA2 DNA repair associated; plus strand). Cytogenetic location: 13q13.1.
Variant type: Deletion.
Coding change: c.6481_6484del on transcript NM_000059.4 (MANE Select); coding-DNA positions 6481 to 6484, 4 bases deleted (GACA; older notation c.6481_6484delGACA).
Protein change: p.Asp2161fs; shifts the reading frame from aspartic acid 2161.
Molecular consequence: frameshift variant.
Genome position (GRCh38, 1-based): chr13:32,340,836-32,340,839, GACA deleted; deleting any 4 consecutive bases within chr13:32,340,835-32,340,839 gives the same sequence; the c. name uses the placement nearest the transcript's 3' end. VCF-style (leftmost placement, unchanged base first): chr13-32340834-AAGAC-A. GRCh37 (hg19) VCF-style: chr13-32914971-AAGAC-A.
Other names: c.6481_6484delGACA (NM_000059.3); short protein forms D2161fs.
Identifiers: ClinVar variation 265058 (VCV000265058.18), dbSNP rs886039319, ClinGen allele CA10588566.